The following is an entry in ClinVar:

ClinVar aggregate classification (germline): Likely pathogenic. Review status: criteria provided, multiple submitters, no conflicts (2 of 4 stars). 2 submissions from 2 submitters: Likely pathogenic (2). Last evaluated 2022-09-02.

Conditions:
Abnormality of blood and blood-forming tissues. Identifiers: MedGen C0850715, HP:0001871.
Fanconi anemia (FA). Also called: Fanconi's anemia. Identifiers: Orphanet 84, MedGen C0015625, MeSH D005199, MONDO:0019391.

Submissions (2):

Labcorp Genetics (formerly Invitae), Labcorp
Classification: Likely pathogenic for Fanconi anemia. Last evaluated: 2022-09-02. Review status: criteria provided, single submitter. Criteria: Invitae Variant Classification Sherloc (09022015). Collection method: clinical testing. Allele origin: germline.
Comment: In summary, the currently available evidence indicates that the variant is pathogenic, but additional data are needed to prove that conclusively. Therefore, this variant has been classified as Likely Pathogenic. Algorithms developed to predict the effect of sequence changes on RNA splicing suggest that this variant may disrupt the consensus splice site. ClinVar contains an entry for this variant (Variation ID: 1067427). This variant is also known as c.647-2_649delAGGTC. This variant has been observed in individual(s) with clinical features of Fanconi anemia (PMID: 27041517). This variant is not present in population databases (gnomAD no frequency). This variant results in the deletion of part of exon 6 (c.647-2_649del) of the FANCG gene. It is expected to disrupt RNA splicing. Variants that disrupt the donor or acceptor splice site typically lead to a loss of protein function (PMID: 16199547), and loss-of-function variants in FANCG are known to be pathogenic (PMID: 12552564).

Kariminejad - Najmabadi Pathology & Genetics Center
Classification: Likely pathogenic for Abnormality of blood and blood-forming tissues. Last evaluated: 2021-07-10. Review status: criteria provided, single submitter. Criteria: ACMG Guidelines, 2015. Collection method: clinical testing. Allele origin: germline. Affected: yes.

Literature cited by the submitters: PubMed 27041517 (cited by Labcorp Genetics (formerly Invitae), Labcorp); PubMed 16199547 (cited by Labcorp Genetics (formerly Invitae), Labcorp); PubMed 12552564 (cited by Labcorp Genetics (formerly Invitae), Labcorp).

NM_004629.2(FANCG):c.647-2_649del

Gene: FANCG (FA complementation group G; minus strand). Cytogenetic location: 9p13.3.
Variant type: Deletion.
Coding change: c.647-2_649del on transcript NM_004629.2 (MANE Select); the canonical splice acceptor site of the intron before coding-DNA position 647 through coding-DNA position 649, 5 bases deleted (AGGTC; older notation c.647-2_649delAGGTC).
Molecular consequence: splice acceptor variant.
Genome position (GRCh38, 1-based): chr9:35,077,099-35,077,103, GACCT deleted on the plus strand (AGGTC on the coding strand, the reverse complement: FANCG is on the minus strand); deleting any 5 consecutive bases within chr9:35,077,099-35,077,105 gives the same sequence; the c. name uses the placement nearest the transcript's 3' end. VCF-style (leftmost placement, unchanged base first): chr9-35077098-AGACCT-A. GRCh37 (hg19) VCF-style: chr9-35077095-AGACCT-A.
Other names: c.647-2_649delAGGTC (NM_004629.2).
Identifiers: ClinVar variation 1067427 (VCV001067427.28), dbSNP rs2131056701, ClinGen allele CA2499219869.